The following is an entry in ClinVar:

NM_001940.4(ATN1):c.572C>A (p.Pro191His)

Gene: ATN1 (atrophin 1; plus strand). Cytogenetic location: 12p13.31.
Variant type: single nucleotide variant.
Coding change: c.572C>A on transcript NM_001940.4 (MANE Select); coding-DNA position 572, C replaced by A.
Protein change: p.Pro191His; replaces proline 191 with histidine.
Molecular consequence: missense variant.
Genome position (GRCh38, 1-based): chr12:6,935,839, C>A. VCF-style: chr12-6935839-C-A. GRCh37 (hg19) VCF-style: chr12-7045002-C-A.
Other names: c.572C>A, p.Pro191His (NM_001007026.2, NM_001424176.1, NM_001424177.1 and 1 more transcripts); c.569C>A, p.Pro190His (NM_001424179.1, NM_001424180.1); short protein forms P190H, P191H.
Identifiers: ClinVar variation 4822611 (VCV004822611.4).

ClinVar aggregate classification (germline): Likely benign (1 of 4 stars; one submission).

gnomAD v4.1: 2 of 1,613,948 alleles (0.00012%); highest among the groups gnomAD compares: Middle Eastern, 0.017%; no homozygotes.

Submission:

CeGaT Center for Human Genetics Tuebingen
Classification: Likely benign. Last evaluated: 2026-03-01. Review status: criteria provided, single submitter. Criteria: CeGaT Center For Human Genetics Tuebingen Variant Classification Criteria Version 2. Collection method: clinical testing. Allele origin: germline. Affected: yes. Observed: 1 variant allele.
Comment: ATN1: BS2